The following is an entry in ClinVar:

ClinVar aggregate classification (germline): Uncertain significance. Review status: criteria provided, multiple submitters, no conflicts (2 of 4 stars). 3 submissions from 3 submitters: Uncertain significance (3). Last evaluated 2025-04-11.

Conditions:
Microcephaly 3, primary, autosomal recessive. Identifiers: Orphanet 2512, MedGen C1858108, MONDO:0011488, OMIM 604804.
Inborn genetic diseases. Identifiers: MedGen C0950123, MeSH D030342.

Allele frequency attached by ClinVar (database versions not stated): gnomAD exomes 0.00001 and 0.00005; ExAC 0.00007; 1000 Genomes Project 30x 0.00016; TOPMed 0.00018; 1000 Genomes Project 0.00020; gnomAD 0.00022 and 0.00024; ESP Exome Variant Server 0.00038.
gnomAD v4.1: 55 of 1,614,146 alleles (0.0034%); highest among the groups gnomAD compares: African/African-American, 0.059%; no homozygotes.

Submissions (3):

Labcorp Genetics (formerly Invitae), Labcorp
Classification: Uncertain significance. Last evaluated: 2025-04-11. Review status: criteria provided, single submitter. Criteria: Invitae Variant Classification Sherloc (09022015). Collection method: clinical testing. Allele origin: germline.
Comment: This sequence change replaces asparagine, which is neutral and polar, with serine, which is neutral and polar, at codon 1229 of the CDK5RAP2 protein (p.Asn1229Ser). This variant is present in population databases (rs148403620, gnomAD 0.05%). This variant has not been reported in the literature in individuals affected with CDK5RAP2-related conditions. ClinVar contains an entry for this variant (Variation ID: 158144). An algorithm developed to predict the effect of missense changes on protein structure and function outputs the following: PolyPhen-2: "Possibly Damaging". The serine amino acid residue is found in multiple mammalian species, which suggests that this missense change does not adversely affect protein function. In summary, the available evidence is currently insufficient to determine the role of this variant in disease. Therefore, it has been classified as a Variant of Uncertain Significance.

Ambry Genetics
Classification: Uncertain significance for Inborn genetic diseases. Last evaluated: 2024-10-28. Review status: criteria provided, single submitter. Criteria: Ambry Variant Classification Scheme 2023. Collection method: clinical testing. Allele origin: germline.

Genetic Services Laboratory, University of Chicago
Classification: Uncertain significance for Microcephaly 3, primary, autosomal recessive. Last evaluated: 2013-02-08. Review status: criteria provided, single submitter. Criteria: ACMG Guidelines, 2007. Collection method: clinical testing. Allele origin: germline. Inheritance: Autosomal recessive inheritance.

NM_018249.6(CDK5RAP2):c.3686A>G (p.Asn1229Ser)

Gene: CDK5RAP2 (CDK5 regulatory subunit associated protein 2; minus strand). Cytogenetic location: 9q33.2.
Variant type: single nucleotide variant.
Coding change: c.3686A>G on transcript NM_018249.6 (MANE Select); coding-DNA position 3686, A replaced by G.
Protein change: p.Asn1229Ser; replaces asparagine 1229 with serine.
Molecular consequence: missense variant. On other transcripts: non-coding transcript variant (5).
Genome position (GRCh38, 1-based): chr9:120,439,435, T>C on the plus strand (A>G on the coding strand, the complement: CDK5RAP2 is on the minus strand). VCF-style: chr9-120439435-T-C. GRCh37 (hg19) VCF-style: chr9-123201713-T-C.
Other names: c.3686A>G, p.Asn1229Ser (NM_001011649.3); c.2996A>G, p.Asn999Ser (NM_001272039.2); short protein forms N1229S, N999S.
Identifiers: ClinVar variation 158144 (VCV000158144.10), dbSNP rs148403620, ClinGen allele CA271209.